The following is an entry in ClinVar:

ClinVar aggregate classification (germline): Likely benign (1 of 4 stars; one submission).

Submission:

CeGaT Center for Human Genetics Tuebingen
Classification: Likely benign. Last evaluated: 2023-02-01. Review status: criteria provided, single submitter. Criteria: CeGaT Center For Human Genetics Tuebingen Variant Classification Criteria Version 2. Collection method: clinical testing. Allele origin: germline. Affected: yes. Observed: 1 variant allele.
Comment: CREBBP: PM2:Supporting, BP4, BP7

NM_004380.3(CREBBP):c.2910C>T (p.Asn970=)

Gene: CREBBP (CREB binding lysine acetyltransferase; minus strand). Cytogenetic location: 16p13.3.
Variant type: single nucleotide variant.
Coding change: c.2910C>T on transcript NM_004380.3 (MANE Select); coding-DNA position 2910, C replaced by T.
Protein change: p.Asn970=; no amino-acid change (asparagine 970 retained).
Molecular consequence: synonymous variant.
Genome position (GRCh38, 1-based): chr16:3,769,324, G>A on the plus strand (C>T on the coding strand, the complement: CREBBP is on the minus strand). VCF-style: chr16-3769324-G-A. GRCh37 (hg19) VCF-style: chr16-3819325-G-A.
Other names: c.2796C>T, p.Asn932= (NM_001079846.1).
Identifiers: ClinVar variation 2646138 (VCV002646138.24), dbSNP rs1567297720, ClinGen allele CA493274173.